The following is an entry in ClinVar:

NM_003200.5(TCF3):c.1388C>T (p.Ala463Val)

Gene: TCF3 (transcription factor 3; minus strand). Cytogenetic location: 19p13.3.
Variant type: single nucleotide variant.
Coding change: c.1388C>T on transcript NM_003200.5 (MANE Select); coding-DNA position 1388, C replaced by T.
Protein change: p.Ala463Val; replaces alanine 463 with valine.
Molecular consequence: missense variant.
Genome position (GRCh38, 1-based): chr19:1,619,173, G>A on the plus strand (C>T on the coding strand, the complement: TCF3 is on the minus strand). VCF-style: chr19-1619173-G-A. GRCh37 (hg19) VCF-style: chr19-1619172-G-A.
Other names: c.1388C>T, p.Ala463Val (NM_001136139.4, NM_001351779.2); c.1385C>T, p.Ala462Val (NM_001351778.2); short protein forms A462V, A463V.
Identifiers: ClinVar variation 3640352 (VCV003640352.2).

ClinVar aggregate classification (germline): Uncertain significance (1 of 4 stars; one submission).

gnomAD v4.1: 67 of 1,600,296 alleles (0.0042%); highest among the groups gnomAD compares: South Asian, 0.027%; no homozygotes.

Submission:

Labcorp Genetics (formerly Invitae), Labcorp
Classification: Uncertain significance. Last evaluated: 2024-12-19. Review status: criteria provided, single submitter. Criteria: Invitae Variant Classification Sherloc (09022015). Collection method: clinical testing. Allele origin: germline.
Comment: This sequence change replaces alanine, which is neutral and non-polar, with valine, which is neutral and non-polar, at codon 463 of the TCF3 protein (p.Ala463Val). This variant is present in population databases (rs374199541, gnomAD 0.04%). This variant has not been reported in the literature in individuals affected with TCF3-related conditions. Invitae Evidence Modeling of protein sequence and biophysical properties (such as structural, functional, and spatial information, amino acid conservation, physicochemical variation, residue mobility, and thermodynamic stability) indicates that this missense variant is not expected to disrupt TCF3 protein function with a negative predictive value of 80%. In summary, the available evidence is currently insufficient to determine the role of this variant in disease. Therefore, it has been classified as a Variant of Uncertain Significance.